The following is an entry in ClinVar:

ClinVar aggregate classification (germline): Pathogenic (1 of 4 stars; one submission).

Submission:

Labcorp Genetics (formerly Invitae), Labcorp
Classification: Pathogenic. Last evaluated: 2024-10-15. Review status: criteria provided, single submitter. Criteria: Invitae Variant Classification Sherloc (09022015). Collection method: clinical testing. Allele origin: germline.
Comment: This sequence change replaces proline, which is neutral and non-polar, with threonine, which is neutral and polar, at codon 521 of the TULP1 protein (p.Pro521Thr). This variant is not present in population databases (gnomAD no frequency). This missense change has been observed in individuals with retinitis pigmentosa (internal data). ClinVar contains an entry for this variant (Variation ID: 2166200). Invitae Evidence Modeling of protein sequence and biophysical properties (such as structural, functional, and spatial information, amino acid conservation, physicochemical variation, residue mobility, and thermodynamic stability) indicates that this missense variant is expected to disrupt TULP1 protein function with a positive predictive value of 95%. This variant disrupts the p.Pro521 amino acid residue in TULP1. Other variant(s) that disrupt this residue have been determined to be pathogenic (PMID: 27440997, 33090715). This suggests that this residue is clinically significant, and that variants that disrupt this residue are likely to be disease-causing. For these reasons, this variant has been classified as Pathogenic.

Literature cited by the submitters: PubMed 27440997; PubMed 33090715.

NM_003322.6(TULP1):c.1561C>A (p.Pro521Thr)

Gene: TULP1 (TUB like protein 1; minus strand). Cytogenetic location: 6p21.31.
Variant type: single nucleotide variant.
Coding change: c.1561C>A on transcript NM_003322.6 (MANE Select); coding-DNA position 1561, C replaced by A.
Protein change: p.Pro521Thr; replaces proline 521 with threonine.
Molecular consequence: missense variant.
Genome position (GRCh38, 1-based): chr6:35,498,395, G>T on the plus strand (C>A on the coding strand, the complement: TULP1 is on the minus strand). VCF-style: chr6-35498395-G-T. GRCh37 (hg19) VCF-style: chr6-35466172-G-T.
Other names: c.1402C>A, p.Pro468Thr (NM_001289395.2); short protein forms P468T, P521T.
Identifiers: ClinVar variation 2166200 (VCV002166200.4), dbSNP rs2533777578, ClinGen allele CA363778265.
Genomic context (GRCh38, chr6:35,498,395, plus strand): 5'-AGGCCAGCTTCCCGTCGAAACTGGAGAGGGCGATGGCGAAGGCCTGCAGGGCGCACAGCG[G>T]GTACCGGTAGTCTAGGGTGAAGGCGTCCTCCGCCACGCGGCCGAACTGCAGCACGATATA-3'
Protein context (NP_003313.3, residues 511-531): EDAFTLDYRY[Pro521Thr]LCALQAFAIA